The following is an entry in ClinVar:

NM_144670.6(A2ML1):c.1937T>C (p.Ile646Thr)

Gene: A2ML1 (alpha-2-macroglobulin like 1; plus strand). Cytogenetic location: 12p13.31.
Variant type: single nucleotide variant.
Coding change: c.1937T>C on transcript NM_144670.6 (MANE Select); coding-DNA position 1937, T replaced by C.
Protein change: p.Ile646Thr; replaces isoleucine 646 with threonine.
Molecular consequence: missense variant.
Genome position (GRCh38, 1-based): chr12:8,848,823, T>C. VCF-style: chr12-8848823-T-C. GRCh37 (hg19) VCF-style: chr12-9001419-T-C.
Other names: c.464T>C, p.Ile155Thr (NM_001282424.3); c.1937T>C (NM_144670.3); short protein forms I155T, I646T.
Identifiers: ClinVar variation 697219 (VCV000697219.19), dbSNP rs150488553, ClinGen allele CA6435847.

ClinVar aggregate classification (germline): Conflicting classifications of pathogenicity. Review status: criteria provided, conflicting classifications (1 of 4 stars). 6 submissions from 6 submitters: Uncertain significance (1); Benign (2); Likely benign (2). 1 of the submissions does not count toward it. Last evaluated 2026-01-26.

Conditions:
A2ML1-related disorder. Also called: A2ML1-related condition.
Otitis media, susceptibility to (OMS). Also called: COME/ROM; OTITIS MEDIA, CHRONIC/RECURRENT. Identifiers: MedGen C1833692, MONDO:0008162, OMIM 166760.

Allele frequency attached by ClinVar (database versions not stated): gnomAD exomes 0.00015 and 0.00036; ExAC 0.00049; 1000 Genomes Project 30x 0.00109; 1000 Genomes Project 0.00120; gnomAD 0.00142 and 0.00158; ESP Exome Variant Server 0.00155; TOPMed 0.00176.
gnomAD v4.1: 464 of 1,614,168 alleles (0.029%); highest among the groups gnomAD compares: African/African-American, 0.5%; 2 homozygotes.

Submissions (6):

Labcorp Genetics (formerly Invitae), Labcorp
Classification: Benign. Last evaluated: 2026-01-26. Review status: criteria provided, single submitter. Criteria: Invitae Variant Classification Sherloc (09022015). Collection method: clinical testing. Allele origin: germline.

Ambry Genetics
Classification: Uncertain significance. Last evaluated: 2025-08-09. Review status: criteria provided, single submitter. Criteria: Ambry Variant Classification Scheme 2023. Collection method: clinical testing. Allele origin: germline.

Fulgent Genetics
Classification: Likely benign for Otitis media, susceptibility to. Last evaluated: 2021-09-22. Review status: criteria provided, single submitter. Criteria: ACMG Guidelines, 2015. Collection method: clinical testing. Allele origin: unknown.

GeneDx
Classification: Benign. Last evaluated: 2021-05-13. Review status: criteria provided, single submitter. Criteria: GeneDx Variant Classification Process June 2021. Collection method: clinical testing. Allele origin: germline. Affected: yes.

Women's Health and Genetics/Laboratory Corporation of America, LabCorp
Classification: Likely benign. Last evaluated: 2020-10-01. Review status: criteria provided, single submitter. Criteria: LabCorp Variant Classification Summary - May 2015. Collection method: clinical testing. Allele origin: germline.
Comment: Variant summary: A2ML1 c.1937T>C (p.Ile646Thr) results in a non-conservative amino acid change in the encoded protein sequence. Four of five in-silico tools predict a benign effect of the variant on protein function. The variant allele was found at a frequency of 0.00036 in 249520 control chromosomes, predominantly at a frequency of 0.005 within the African or African-American subpopulation in the gnomAD database. The observed variant frequency within African or African-American control individuals in the gnomAD database is approximately 1250 fold of the estimated maximal expected allele frequency for a pathogenic variant in A2ML1 causing Noonan Syndrome phenotype (4e-06), strongly suggesting that the variant is a benign polymorphism found primarily in populations of African or African-American origin. To our knowledge, no occurrence of c.1937T>C in individuals affected with Noonan Syndrome and no experimental evidence demonstrating its impact on protein function have been reported. One ClinVar submitter (evaluation after 2014) cite the variant as benign. Based on the evidence outlined above, the variant was classified as likely benign.

PreventionGenetics, part of Exact Sciences
Classification: Benign for A2ML1-related condition. Last evaluated: 2019-09-26. Review status: no assertion criteria provided. Collection method: clinical testing. Allele origin: germline. Not counted in ClinVar's aggregate classification.
Comment: This variant is classified as benign based on ACMG/AMP sequence variant interpretation guidelines (Richards et al. 2015 PMID: 25741868, with internal and published modifications).